The following is an entry in ClinVar:

ClinVar aggregate classification (germline): Uncertain significance. Review status: criteria provided, multiple submitters, no conflicts (2 of 4 stars). 2 submissions from 2 submitters: Uncertain significance (2). Last evaluated 2025-01-28.

Conditions:
Congenital disorder of glycosylation, type Iaa. Also called: Congenital disorder of glycosylation, type 1aa. Identifiers: MedGen C4310727, MONDO:0014904, OMIM 617082.
Inborn genetic diseases. Identifiers: MedGen C0950123, MeSH D030342.

gnomAD v4.1: 3 of 1,610,974 alleles (0.00019%); highest among the groups gnomAD compares: African/African-American, 0.0027%; no homozygotes.

Submissions (2):

Labcorp Genetics (formerly Invitae), Labcorp
Classification: Uncertain significance for Congenital disorder of glycosylation, type Iaa. Last evaluated: 2025-01-28. Review status: criteria provided, single submitter. Criteria: Invitae Variant Classification Sherloc (09022015). Collection method: clinical testing. Allele origin: germline.
Comment: This sequence change replaces glutamine, which is neutral and polar, with arginine, which is basic and polar, at codon 157 of the NUS1 protein (p.Gln157Arg). This variant is not present in population databases (gnomAD no frequency). This variant has not been reported in the literature in individuals affected with NUS1-related conditions. ClinVar contains an entry for this variant (Variation ID: 3408915). An algorithm developed to predict the effect of missense changes on protein structure and function (PolyPhen-2) suggests that this variant is likely to be tolerated. In summary, the available evidence is currently insufficient to determine the role of this variant in disease. Therefore, it has been classified as a Variant of Uncertain Significance.

Ambry Genetics
Classification: Uncertain significance for Inborn genetic diseases. Last evaluated: 2024-10-19. Review status: criteria provided, single submitter. Criteria: Ambry Variant Classification Scheme 2023. Collection method: clinical testing. Allele origin: germline.

NM_138459.5(NUS1):c.470A>G (p.Gln157Arg)

Gene: NUS1 (NUS1 dehydrodolichyl diphosphate synthase subunit; plus strand). Cytogenetic location: 6q22.1.
Variant type: single nucleotide variant.
Coding change: c.470A>G on transcript NM_138459.5 (MANE Select); coding-DNA position 470, A replaced by G.
Protein change: p.Gln157Arg; replaces glutamine 157 with arginine.
Molecular consequence: missense variant.
Genome position (GRCh38, 1-based): chr6:117,693,096, A>G. VCF-style: chr6-117693096-A-G. GRCh37 (hg19) VCF-style: chr6-118014259-A-G.
Other names: short protein forms Q157R.
Identifiers: ClinVar variation 3408915 (VCV003408915.3).